The following is an entry in ClinVar:

ClinVar aggregate classification (germline): Uncertain significance (1 of 4 stars; one submission).

Conditions:
Hereditary cancer-predisposing syndrome. Also called: Hereditary Cancer Syndrome; Neoplastic Syndromes, Hereditary; Hereditary neoplastic syndrome; Tumor predisposition. Identifiers: Orphanet 140162, MedGen C0027672, MeSH D009386, MONDO:0015356.

Submission:

Ambry Genetics
Classification: Uncertain significance for Hereditary cancer-predisposing syndrome. Last evaluated: 2022-01-31. Review status: criteria provided, single submitter. Criteria: Ambry Variant Classification Scheme 2023. Collection method: clinical testing. Allele origin: germline.
Comment: The p.N226H variant (also known as c.676A>C), located in coding exon 6 of the PMS2 gene, results from an A to C substitution at nucleotide position 676. The asparagine at codon 226 is replaced by histidine, an amino acid with similar properties. This amino acid position is highly conserved in available vertebrate species. In addition, the in silico prediction for this alteration is inconclusive. Since supporting evidence is limited at this time, the clinical significance of this alteration remains unclear.

NM_000535.7(PMS2):c.676A>C (p.Asn226His)

Gene: PMS2 (PMS1 homolog 2, mismatch repair system component; minus strand). Cytogenetic location: 7p22.1.
Variant type: single nucleotide variant.
Coding change: c.676A>C on transcript NM_000535.7 (MANE Select); coding-DNA position 676, A replaced by C.
Protein change: p.Asn226His; replaces asparagine 226 with histidine.
Molecular consequence: missense variant. On other transcripts: 5 prime UTR variant (2), non-coding transcript variant (1), intron variant (1).
Genome position (GRCh38, 1-based): chr7:5,999,137, T>G on the plus strand (A>C on the coding strand, the complement: PMS2 is on the minus strand). VCF-style: chr7-5999137-T-G. GRCh37 (hg19) VCF-style: chr7-6038768-T-G.
Other names: c.271A>C, p.Asn91His (NM_001322003.2, NM_001322004.2, NM_001322005.2 and 2 more transcripts); c.676A>C, p.Asn226His (NM_001322006.2, NM_001322014.2); c.358A>C, p.Asn120His (NM_001322007.2, NM_001322008.2); c.-258A>C (NM_001322011.2, NM_001322012.2); c.367A>C, p.Asn123His (NM_001322015.2); c.133-1714A>C (NM_001322013.2); short protein forms N226H, N123H, N91H, N120H.
Identifiers: ClinVar variation 142881 (VCV000142881.5), dbSNP rs587782791, ClinGen allele CA012483.
Genomic context (GRCh38, chr7:5,999,137, plus strand): 5'-AAGAGGCGTTGAAGTAACCGGCCATCACTACCTGCTTCTGCCCAAACACAGAGCCGATAT[T>G]TTCCTTTATGCTGGGGCTTCCACCTGTGCATACCACAGGCTGTCGTTTTCCTTGTCCAAG-3'
Protein context (NP_000526.2, residues 216-236): CTGGSPSIKE[Asn226His]IGSVFGQKQL